The following is an entry in ClinVar:

ClinVar aggregate classification (germline): Uncertain significance (1 of 4 stars; one submission).

Submission:

GeneDx
Classification: Uncertain significance. Last evaluated: 2022-01-06. Review status: criteria provided, single submitter. Criteria: GeneDx Variant Classification Process June 2021. Collection method: clinical testing. Allele origin: germline. Affected: yes.
Comment: Has not been previously published as pathogenic or benign to our knowledge; In silico analysis, which includes splice predictors and evolutionary conservation, suggests this variant may impact gene splicing. In the absence of RNA/functional studies, the actual effect of this sequence change is unknown.

NM_001365999.1(SZT2):c.9855G>A (p.Leu3285=)

Genes: SZT2 (SZT2 subunit of KICSTOR complex; plus strand), SZT2-AS1 (SZT2 antisense RNA 1; minus strand). Cytogenetic location: 1p34.2.
Variant type: single nucleotide variant.
Coding change: c.9855G>A on transcript NM_001365999.1 (MANE Select); coding-DNA position 9855, G replaced by A.
Protein change: p.Leu3285=; no amino-acid change (leucine 3285 retained).
Molecular consequence: synonymous variant. On other transcripts: non-coding transcript variant (1).
Genome position (GRCh38, 1-based): chr1:43,448,370, G>A. VCF-style: chr1-43448370-G-A. GRCh37 (hg19) VCF-style: chr1-43914041-G-A.
Other names: c.9684G>A, p.Leu3228= (NM_015284.4); c.1296G>A, p.Leu432= (NM_024547.1).
Identifiers: ClinVar variation 1695822 (VCV001695822.2), dbSNP rs1455734742, ClinGen allele CA417551834.
Genomic context (GRCh38, chr1:43,448,370, plus strand): 5'-GGTGCGGCTGGCTGGAGGGCACTGCCGTCGGGACACCCTTTGGAAGCGCCTCTTCTTGCT[G>A]GAGCCACCGGGGCCTGATCGACTGCGGCTAGGGGGGCGCCTGGCCCTGGCAGAGCTGGAG-3'
Protein context (NP_001352928.1, residues 3275-3295): RDTLWKRLFL[Leu3285=]EPPGPDRLRL